The following is an entry in ClinVar:

ClinVar aggregate classification (germline): Uncertain significance (1 of 4 stars; one submission).

Allele frequency attached by ClinVar (database versions not stated): gnomAD exomes 0.00001.
gnomAD v4.1: 11 of 1,612,244 alleles (0.00068%); highest among the groups gnomAD compares: Admixed American, 0.0017%; no homozygotes.

Submission:

Labcorp Genetics (formerly Invitae), Labcorp
Classification: Uncertain significance. Last evaluated: 2022-07-19. Review status: criteria provided, single submitter. Criteria: Invitae Variant Classification Sherloc (09022015). Collection method: clinical testing. Allele origin: germline.
Comment: This variant is present in population databases (no rsID available, gnomAD 0.003%). In summary, the available evidence is currently insufficient to determine the role of this variant in disease. Therefore, it has been classified as a Variant of Uncertain Significance. Algorithms developed to predict the effect of missense changes on protein structure and function output the following: SIFT: "Tolerated"; PolyPhen-2: "Benign"; Align-GVGD: "Class C0". The valine amino acid residue is found in multiple mammalian species, which suggests that this missense change does not adversely affect protein function. ClinVar contains an entry for this variant (Variation ID: 1475458). This variant has not been reported in the literature in individuals affected with TMTC3-related conditions. This sequence change replaces methionine, which is neutral and non-polar, with valine, which is neutral and non-polar, at codon 412 of the TMTC3 protein (p.Met412Val).

NM_181783.4(TMTC3):c.1234A>G (p.Met412Val)

Gene: TMTC3 (transmembrane O-mannosyltransferase targeting cadherins 3; plus strand). Cytogenetic location: 12q21.32.
Variant type: single nucleotide variant.
Coding change: c.1234A>G on transcript NM_181783.4 (MANE Select); coding-DNA position 1234, A replaced by G.
Protein change: p.Met412Val; replaces methionine 412 with valine.
Molecular consequence: missense variant. On other transcripts: non-coding transcript variant (1).
Genome position (GRCh38, 1-based): chr12:88,174,641, A>G. VCF-style: chr12-88174641-A-G. GRCh37 (hg19) VCF-style: chr12-88568418-A-G.
Other names: c.1054A>G, p.Met352Val (NM_001366574.1); c.1015A>G, p.Met339Val (NM_001366579.1); c.967A>G, p.Met323Val (NM_001366580.1); c.541A>G, p.Met181Val (NM_001366583.1); short protein forms M412V, M181V, M339V, M352V, M323V.
Identifiers: ClinVar variation 1475458 (VCV001475458.8), dbSNP rs546211027, ClinGen allele CA241475313.